The following is an entry in ClinVar:

NM_003632.3(CNTNAP1):c.3447C>T (p.Thr1149=)

Gene: CNTNAP1 (contactin associated protein 1; plus strand). Cytogenetic location: 17q21.2.
Variant type: single nucleotide variant.
Coding change: c.3447C>T on transcript NM_003632.3 (MANE Select); coding-DNA position 3447, C replaced by T.
Protein change: p.Thr1149=; no amino-acid change (threonine 1149 retained).
Molecular consequence: synonymous variant.
Genome position (GRCh38, 1-based): chr17:42,696,125, C>T. VCF-style: chr17-42696125-C-T. GRCh37 (hg19) VCF-style: chr17-40848143-C-T.
Other names: p.Thr1149=.
Identifiers: ClinVar variation 1298706 (VCV001298706.41), dbSNP rs149387021, ClinGen allele CA8582319.
Genomic context (GRCh38, chr17:42,696,125, plus strand): 5'-CGTGTACCAGCTAACCACTCGACCAGTGACCGATGGCCAGCCCCATAGCATCAATATCAC[C>T]CGTGTTTACCGGAACCTCTTCATCCAGGTATGCATAGAGGGAGGTGAGCCAGTTCAGATC-3'
Protein context (NP_003623.1, residues 1139-1159): TDGQPHSINI[Thr1149=]RVYRNLFIQV

ClinVar aggregate classification (germline): Benign/Likely benign. Review status: criteria provided, multiple submitters, no conflicts (2 of 4 stars). 3 submissions from 3 submitters: Benign (2); Likely benign (1). Last evaluated 2026-01-28.

Allele frequency attached by ClinVar (database versions not stated): 1000 Genomes Project 30x 0.00047; TOPMed 0.00059; 1000 Genomes Project 0.00060; ESP Exome Variant Server 0.00069; gnomAD exomes 0.00119 and 0.00206; ExAC 0.00213; gnomAD 0.00224 and 0.00238.
gnomAD v4.1: 2,073 of 1,614,138 alleles (0.13%); highest among the groups gnomAD compares: Non-Finnish European, 0.086%; 16 homozygotes.

Submissions (3):

Labcorp Genetics (formerly Invitae), Labcorp
Classification: Benign. Last evaluated: 2026-01-28. Review status: criteria provided, single submitter. Criteria: Invitae Variant Classification Sherloc (09022015). Collection method: clinical testing. Allele origin: germline.

CeGaT Center for Human Genetics Tuebingen
Classification: Likely benign. Last evaluated: 2025-04-01. Review status: criteria provided, single submitter. Criteria: CeGaT Center For Human Genetics Tuebingen Variant Classification Criteria Version 2. Collection method: clinical testing. Allele origin: germline. Affected: yes. Observed: 7 variant alleles.
Comment: CNTNAP1: BP4, BP7

Mayo Clinic Laboratories, Mayo Clinic
Classification: Benign. Last evaluated: 2022-01-12. Review status: criteria provided, single submitter. Criteria: ACMG Guidelines, 2015. Collection method: clinical testing. Allele origin: germline. Observed: 4 variant alleles.
Comment: BS1, BS2, BP4, BP7